The following is an entry in ClinVar:

NM_000542.5(SFTPB):c.581del (p.Gln194fs)

Gene: SFTPB (surfactant protein B; minus strand). Cytogenetic location: 2p11.2.
Variant type: Deletion.
Coding change: c.581del on transcript NM_000542.5 (MANE Select); coding-DNA position 581, one base deleted (A; older notation c.581delA).
Protein change: p.Gln194fs; shifts the reading frame from glutamine 194.
Molecular consequence: frameshift variant.
Genome position (GRCh38, 1-based): chr2:85,665,607, T deleted on the plus strand (A on the coding strand, the reverse complement: SFTPB is on the minus strand). VCF-style (leftmost placement, unchanged base first): chr2-85665606-CT-C. GRCh37 (hg19) VCF-style: chr2-85892729-CT-C.
Other names: c.581delA, p.Gln194Argfs (NM_001367281.2, NM_198843.4); short protein forms Q194fs.
Identifiers: ClinVar variation 1752055 (VCV001752055.2), dbSNP rs2466685763, ClinGen allele CA2580068247.
Genomic context (GRCh38, chr2:85,665,606, plus strand): 5'-TTCGGAGGTGGCTCTAGCCCTCTGGATCTCCACTTTACTGGCTGTGGGGGCCTCCCTCAC[CT>C]GTGTGTGAGGCCCAGGCCTCGCCTGGAGGGCCCCGGGCAGCACAGGGAGGACGAGCTTGT-3'

ClinVar aggregate classification (germline): Pathogenic (1 of 4 stars; one submission).

Conditions:
Hereditary pulmonary alveolar proteinosis. Also called: Pulmonary surfactant metabolism dysfunction. Identifiers: Orphanet 264675, MedGen C3711368, MONDO:0012580.

Allele frequency attached by ClinVar (database versions not stated): gnomAD exomes below 0.00001.

Submission:

Ambry Genetics
Classification: Pathogenic for Hereditary pulmonary alveolar proteinosis. Last evaluated: 2020-05-13. Review status: criteria provided, single submitter. Criteria: Ambry Variant Classification Scheme 2023. Collection method: clinical testing. Allele origin: germline.
Comment: The c.617delA pathogenic mutation (also known as c.581delA), located in coding exon 5 of the SFTPB gene, results from a deletion of one nucleotide at nucleotide position 617, causing a translational frameshift with a predicted alternate stop codon (p.Q206Rfs*21). This alteration is expected to result in loss of function by premature protein truncation or nonsense-mediated mRNA decay. As such, this alteration is interpreted as a disease-causing mutation.